The following is an entry in ClinVar:

ClinVar aggregate classification (germline): Uncertain significance. Review status: criteria provided, multiple submitters, no conflicts (2 of 4 stars). 2 submissions from 2 submitters: Uncertain significance (2). Last evaluated 2025-03-25.

Conditions:
Cardiovascular phenotype. Identifiers: MedGen CN230736.
Anterior segment dysgenesis. Also called: Ocular anterior segment dysgenesis. Identifiers: Orphanet 88632, MedGen C1862839, MONDO:0019503, HP:0007700.
Congenital primary aphakia. Also called: Anterior segment dysgenesis 2, multiple subtypes; ANTERIOR SEGMENT DYSGENESIS 2. Identifiers: Orphanet 83461, MedGen C1853230, MONDO:0012456, OMIM 610256.

Allele frequency attached by ClinVar (database versions not stated): gnomAD exomes below 0.00001.

Submissions (2):

Ambry Genetics
Classification: Uncertain significance for Cardiovascular phenotype. Last evaluated: 2025-03-25. Review status: criteria provided, single submitter. Criteria: Ambry Variant Classification Scheme 2023. Collection method: clinical testing. Allele origin: germline.
Comment: The p.G291R variant (also known as c.871G>C), located in coding exon 1 of the FOXE3 gene, results from a G to C substitution at nucleotide position 871. The glycine at codon 291 is replaced by arginine, an amino acid with dissimilar properties. This amino acid position is conserved. In addition, this alteration is predicted to be tolerated by in silico analysis. Based on the available evidence, the clinical significance of this variant remains unclear.

Labcorp Genetics (formerly Invitae), Labcorp
Classification: Uncertain significance for Anterior segment dysgenesis; Congenital primary aphakia. Last evaluated: 2023-11-10. Review status: criteria provided, single submitter. Criteria: Invitae Variant Classification Sherloc (09022015). Collection method: clinical testing. Allele origin: germline.
Comment: This sequence change replaces glycine, which is neutral and non-polar, with arginine, which is basic and polar, at codon 291 of the FOXE3 protein (p.Gly291Arg). This variant is not present in population databases (gnomAD no frequency). This variant has not been reported in the literature in individuals affected with FOXE3-related conditions. Algorithms developed to predict the effect of missense changes on protein structure and function output the following: SIFT: "Not Available"; PolyPhen-2: "Probably Damaging"; Align-GVGD: "Not Available". The arginine amino acid residue is found in multiple mammalian species, which suggests that this missense change does not adversely affect protein function. In summary, the available evidence is currently insufficient to determine the role of this variant in disease. Therefore, it has been classified as a Variant of Uncertain Significance.

NM_012186.3(FOXE3):c.871G>C (p.Gly291Arg)

Genes: FOXE3 (forkhead box E3; plus strand), LINC01389 (long independently transcribed non-coding RNA 1389; minus strand). Cytogenetic location: 1p33.
Variant type: single nucleotide variant.
Coding change: c.871G>C on transcript NM_012186.3 (MANE Select); coding-DNA position 871, G replaced by C.
Protein change: p.Gly291Arg; replaces glycine 291 with arginine.
Molecular consequence: missense variant.
Genome position (GRCh38, 1-based): chr1:47,417,186, G>C. VCF-style: chr1-47417186-G-C. GRCh37 (hg19) VCF-style: chr1-47882858-G-C.
Other names: c.871G>C (NM_012186.2); short protein forms G291R.
Identifiers: ClinVar variation 2935045 (VCV002935045.4), dbSNP rs1393207803, ClinGen allele CA340250894.